The following is an entry in ClinVar:

ClinVar aggregate classification (germline): Uncertain significance. Review status: criteria provided, multiple submitters, no conflicts (2 of 4 stars). 2 submissions from 2 submitters: Uncertain significance (2). Last evaluated 2024-11-25.

Conditions:
Inborn genetic diseases. Identifiers: MedGen C0950123, MeSH D030342.
Dyskeratosis congenita, autosomal recessive 6 (DKCB6). Identifiers: MedGen C4225356, MONDO:0014600, OMIM 616353.
Pulmonary fibrosis and/or bone marrow failure, Telomere-related, 4. Also called: PULMONARY FIBROSIS AND/OR BONE MARROW FAILURE SYNDROME, TELOMERE-RELATED, 4. Identifiers: Orphanet 2032, MedGen C4225347, MONDO:0014612, OMIM 616371.

Allele frequency attached by ClinVar (database versions not stated): gnomAD exomes 0.00001.
gnomAD v4.1: 8 of 1,605,194 alleles (0.0005%); highest among the groups gnomAD compares: Non-Finnish European, 0.00068%; no homozygotes.

Submissions (2):

Ambry Genetics
Classification: Uncertain significance for Inborn genetic diseases. Last evaluated: 2024-11-25. Review status: criteria provided, single submitter. Criteria: Ambry Variant Classification Scheme 2023. Collection method: clinical testing. Allele origin: germline.

Labcorp Genetics (formerly Invitae), Labcorp
Classification: Uncertain significance for Dyskeratosis congenita, autosomal recessive 6; Pulmonary fibrosis and/or bone marrow failure, Telomere-related, 4. Last evaluated: 2023-12-17. Review status: criteria provided, single submitter. Criteria: Invitae Variant Classification Sherloc (09022015). Collection method: clinical testing. Allele origin: germline.
Comment: This sequence change replaces arginine, which is basic and polar, with threonine, which is neutral and polar, at codon 99 of the PARN protein (p.Arg99Thr). This variant is present in population databases (no rsID available, gnomAD 0.0009%). This variant has not been reported in the literature in individuals affected with PARN-related conditions. An algorithm developed to predict the effect of missense changes on protein structure and function (PolyPhen-2) suggests that this variant is likely to be disruptive. In summary, the available evidence is currently insufficient to determine the role of this variant in disease. Therefore, it has been classified as a Variant of Uncertain Significance.

NM_002582.4(PARN):c.296G>C (p.Arg99Thr)

Gene: PARN (poly(A)-specific ribonuclease; minus strand). Cytogenetic location: 16p13.12.
Variant type: single nucleotide variant.
Coding change: c.296G>C on transcript NM_002582.4 (MANE Select); coding-DNA position 296, G replaced by C.
Protein change: p.Arg99Thr; replaces arginine 99 with threonine.
Molecular consequence: missense variant. On other transcripts: splice acceptor variant (1).
Genome position (GRCh38, 1-based): chr16:14,627,137, C>G on the plus strand (G>C on the coding strand, the complement: PARN is on the minus strand). VCF-style: chr16-14627137-C-G. GRCh37 (hg19) VCF-style: chr16-14720994-C-G.
Other names: c.113G>C, p.Arg38Thr (NM_001134477.3); c.159-1G>C (NM_001242992.2); c.296G>C (NM_002582.3); short protein forms R99T, R38T.
Identifiers: ClinVar variation 2928748 (VCV002928748.4), dbSNP rs1212341179, ClinGen allele CA394815840.
Genomic context (GRCh38, chr16:14,627,137, plus strand): 5'-AAAAGAAAAATCTCAATTATGCTACTTACCTGACAAACAAATTTGACATCTGGTGAGGAT[C>G]TATTGAAGGGTTTCGGGAAAACATAGAAGTTAAATGACTTCGTTATATACCTGGGATAAG-3'
Protein context (NP_002573.1, residues 89-109): NFYVFPKPFN[Arg99Thr]SSPDVKFVCQ